The following is an entry in ClinVar:

ClinVar aggregate classification (germline): Likely pathogenic (0 of 4 stars; one submission).

Conditions:
Pyruvate dehydrogenase E1-alpha deficiency (PDHAD). Also called: ATAXIA, INTERMITTENT, WITH PYRUVATE DEHYDROGENASE DEFICIENCY; ATAXIA WITH LACTIC ACIDOSIS I; ATAXIA, INTERMITTENT, WITH ABNORMAL PYRUVATE METABOLISM; Ataxia, intermittent, with pyruvate dehydrogenase, or decarboxylase, deficiency. Identifiers: Orphanet 79243, MedGen C1839413, MONDO:0010717, OMIM 312170.

Submission:

PDHA1 Study Group, University Children’s Hospital, Paracelsus Medical University
Classification: Likely pathogenic for Pyruvate dehydrogenase E1-alpha deficiency. Last evaluated: 2024-10-15. Review status: no assertion criteria provided. Collection method: research. Allele origin: germline. Affected: yes. Observed: 1 variant allele.
Comment: The NM_000284.3:c.604-10C>G (p.?) variant affects splicing in PDHA1 gene. The variant has been reported in 1 published case (PMIDs: 24718837). Last literature search: July 12, 2024. This variant is absent or extremely rare in population-based cohorts in the Genome Aggregation Database (gnomAD). Individuals harboring this variant presented with clinical features compatible with PDHA1-related PDHc deficiency. In summary, this variant meets criteria to be classified as likely pathogenic (LP) for PDHA1-related PDHc deficiency based on the ACMG/AMP criteria applied: PS3, PM2, PM7, PP3 (last assessment October 15, 2024).

Literature cited by the submitters: PubMed 24718837; DOI 10.1093/brain/awaf430.

NM_000284.4(PDHA1):c.604-10C>G

Gene: PDHA1 (pyruvate dehydrogenase E1 subunit alpha 1; plus strand). Cytogenetic location: Xp22.12.
Variant type: single nucleotide variant.
Coding change: c.604-10C>G on transcript NM_000284.4 (MANE Select); 10 bases into the intron before coding-DNA position 604, C replaced by G.
Molecular consequence: intron variant.
Genome position (GRCh38, 1-based): chrX:19,355,339, C>G. VCF-style: chrX-19355339-C-G. GRCh37 (hg19) VCF-style: chrX-19373457-C-G.
Other names: c.718-10C>G (NM_001173454.2); c.625-10C>G (NM_001173455.2); c.511-10C>G (NM_001173456.2).
Identifiers: ClinVar variation 4070345 (VCV004070345.1).